The following is an entry in ClinVar:

ClinVar aggregate classification (germline): Benign (1 of 4 stars; one submission).

Conditions:
ALDH18A1-related de Barsy syndrome. Also called: Cutis laxa, autosomal recessive IIIA; DE BARSY SYNDROME A. Identifiers: Orphanet 2962, Orphanet 35664, MedGen C5234852, MONDO:0009053, OMIM 219150.

Allele frequency attached by ClinVar (database versions not stated): gnomAD 0.00129 and 0.00196; TOPMed 0.00203; 1000 Genomes Project 30x 0.00937; 1000 Genomes Project 0.01018.
gnomAD v4.1: 1,986 of 1,398,594 alleles (0.14%); highest among the groups gnomAD compares: East Asian, 4.6%; 39 homozygotes.

Submission:

Illumina Laboratory Services, Illumina
Classification: Benign for ALDH18A1-related de Barsy syndrome. Last evaluated: 2018-01-12. Review status: criteria provided, single submitter. Criteria: ICSL Variant Classification Criteria 13 December 2019. Collection method: clinical testing. Allele origin: germline.
Comment: This variant was observed in the ICSL laboratory as part of a predisposition screen in an ostensibly healthy population. It had not been previously curated by ICSL or reported in the Human Gene Mutation Database (HGMD: prior to June 1st, 2018), and was therefore a candidate for classification through an automated scoring system. Utilizing variant allele frequency, disease prevalence and penetrance estimates, and inheritance mode, an automated score was calculated to assess if this variant is too frequent to cause the disease. Based on the score and internal cut-off values, a variant classified as benign is not then subjected to further curation. The score for this variant resulted in a classification of benign for this disease.

NM_002860.4(ALDH18A1):c.*227A>G

Gene: ALDH18A1 (aldehyde dehydrogenase 18 family member A1; minus strand). Cytogenetic location: 10q24.1.
Variant type: single nucleotide variant.
Coding change: c.*227A>G on transcript NM_002860.4 (MANE Select); 227 bases downstream of the stop codon, A replaced by G.
Molecular consequence: 3 prime UTR variant.
Genome position (GRCh38, 1-based): chr10:95,606,535, T>C on the plus strand (A>G on the coding strand, the complement: ALDH18A1 is on the minus strand). VCF-style: chr10-95606535-T-C. GRCh37 (hg19) VCF-style: chr10-97366292-T-C.
Other names: c.*227A>G (NM_001017423.2, NM_001323412.2, NM_001323413.2 and 6 more transcripts).
Identifiers: ClinVar variation 301751 (VCV000301751.5), dbSNP rs943341, ClinGen allele CA10629524.